The following is an entry in ClinVar:

NM_000094.4(COL7A1):c.345C>T (p.Gly115=)

Gene: COL7A1 (collagen type VII alpha 1 chain; minus strand). Cytogenetic location: 3p21.31.
Variant type: single nucleotide variant.
Coding change: c.345C>T on transcript NM_000094.4 (MANE Select); coding-DNA position 345, C replaced by T.
Protein change: p.Gly115=; no amino-acid change (glycine 115 retained).
Molecular consequence: synonymous variant.
Genome position (GRCh38, 1-based): chr3:48,593,618, G>A on the plus strand (C>T on the coding strand, the complement: COL7A1 is on the minus strand). VCF-style: chr3-48593618-G-A. GRCh37 (hg19) VCF-style: chr3-48631051-G-A.
Identifiers: ClinVar variation 1472354 (VCV001472354.5), dbSNP rs2107801642, ClinGen allele CA433619008.

ClinVar aggregate classification (germline): Uncertain significance (1 of 4 stars; one submission).

Submission:

Labcorp Genetics (formerly Invitae), Labcorp
Classification: Uncertain significance. Last evaluated: 2021-10-14. Review status: criteria provided, single submitter. Criteria: Invitae Variant Classification Sherloc (09022015). Collection method: clinical testing. Allele origin: germline.
Comment: This sequence change affects codon 115 of the COL7A1 mRNA. It is a 'silent' change, meaning that it does not change the encoded amino acid sequence of the COL7A1 protein. This variant is not present in population databases (ExAC no frequency). This variant has not been reported in the literature in individuals affected with COL7A1-related conditions. Algorithms developed to predict the effect of sequence changes on RNA splicing suggest that this variant may create or strengthen a splice site. In summary, the available evidence is currently insufficient to determine the role of this variant in disease. Therefore, it has been classified as a Variant of Uncertain Significance.